The following is an entry in ClinVar:

NM_182699.4(DDX53):c.249G>C (p.Gln83His)

Genes: DDX53 (DEAD-box helicase 53; plus strand), PTCHD1-AS (PTCHD1 and PHEX antisense RNA; minus strand). Cytogenetic location: Xp22.11.
Variant type: single nucleotide variant.
Coding change: c.249G>C on transcript NM_182699.4 (MANE Select); coding-DNA position 249, G replaced by C.
Protein change: p.Gln83His; replaces glutamine 83 with histidine.
Molecular consequence: missense variant.
Genome position (GRCh38, 1-based): chrX:23,000,306, G>C. VCF-style: chrX-23000306-G-C. GRCh37 (hg19) VCF-style: chrX-23018423-G-C.
Other names: short protein forms Q83H.
Identifiers: ClinVar variation 5017411 (VCV005017411.1).

ClinVar aggregate classification (germline): Uncertain significance (1 of 4 stars; one submission).

Submission:

GeneDx
Classification: Uncertain significance. Last evaluated: 2026-03-30. Review status: criteria provided, single submitter. Criteria: GeneDx Variant Classification Process June 2021. Collection method: clinical testing. Allele origin: germline.
Comment: Not observed at significant frequency in large population cohorts (gnomAD); In silico analysis suggests that this missense variant does not alter protein structure/function; Has not been previously published as pathogenic or benign to our knowledge.